The following is an entry in ClinVar:

NM_001375380.1(EBF3):c.97A>G (p.Thr33Ala)

Gene: EBF3 (EBF transcription factor 3; minus strand). Cytogenetic location: 10q26.3.
Variant type: single nucleotide variant.
Coding change: c.97A>G on transcript NM_001375380.1 (MANE Select); coding-DNA position 97, A replaced by G.
Protein change: p.Thr33Ala; replaces threonine 33 with alanine.
Molecular consequence: missense variant.
Genome position (GRCh38, 1-based): chr10:129,963,672, T>C on the plus strand (A>G on the coding strand, the complement: EBF3 is on the minus strand). VCF-style: chr10-129963672-T-C. GRCh37 (hg19) VCF-style: chr10-131761936-T-C.
Other names: c.97A>G, p.Thr33Ala (NM_001005463.3, NM_001375379.1, NM_001375389.1 and 3 more transcripts); short protein forms T33A.
Identifiers: ClinVar variation 716312 (VCV000716312.31), dbSNP rs148358530, ClinGen allele CA5748886.

ClinVar aggregate classification (germline): Benign/Likely benign. Review status: criteria provided, multiple submitters, no conflicts (2 of 4 stars). 5 submissions from 5 submitters: Benign (2); Likely benign (3). Last evaluated 2025-11-01.

Conditions:
Inborn genetic diseases. Identifiers: MedGen C0950123, MeSH D030342.

Allele frequency attached by ClinVar (database versions not stated): gnomAD exomes 0.00026 and 0.00070; ExAC 0.00095; gnomAD 0.00311 and 0.00333; ESP Exome Variant Server 0.00324; TOPMed 0.00351; 1000 Genomes Project 0.00379; 1000 Genomes Project 30x 0.00500.
gnomAD v4.1: 839 of 1,510,788 alleles (0.056%); highest among the groups gnomAD compares: African/African-American, 1.1%; 1 homozygote.

Submissions (5):

CeGaT Center for Human Genetics Tuebingen
Classification: Likely benign. Last evaluated: 2025-11-01. Review status: criteria provided, single submitter. Criteria: CeGaT Center For Human Genetics Tuebingen Variant Classification Criteria Version 2. Collection method: clinical testing. Allele origin: germline. Affected: yes. Observed: 2 variant alleles.
Comment: EBF3: BS1

Ambry Genetics
Classification: Likely benign for Inborn genetic diseases. Last evaluated: 2025-02-28. Review status: criteria provided, single submitter. Criteria: Ambry Variant Classification Scheme 2023. Collection method: clinical testing. Allele origin: germline.

Blueprint Genetics
Classification: Likely benign. Last evaluated: 2024-11-26. Review status: criteria provided, single submitter. Criteria: ACMG Guidelines, 2015. Collection method: clinical testing. Allele origin: germline.

Labcorp Genetics (formerly Invitae), Labcorp
Classification: Benign. Last evaluated: 2019-12-31. Review status: criteria provided, single submitter. Criteria: Invitae Variant Classification Sherloc (09022015). Collection method: clinical testing. Allele origin: germline.

Breakthrough Genomics
Classification: Benign. Review status: criteria provided, single submitter. Criteria: ACMG Guidelines, 2015. Collection method: not provided. Allele origin: germline. Inheritance: Autosomal dominant inheritance. Affected: yes.